The following is an entry in ClinVar:

ClinVar aggregate classification (germline): Uncertain significance (1 of 4 stars; one submission).

Allele frequency attached by ClinVar (database versions not stated): TOPMed below 0.00001.

Submission:

GeneDx
Classification: Uncertain significance. Last evaluated: 2023-03-03. Review status: criteria provided, single submitter. Criteria: GeneDx Variant Classification Process June 2021. Collection method: clinical testing. Allele origin: germline. Affected: yes.
Comment: Not observed at significant frequency in large population cohorts (gnomAD); Nonsense variant predicted to result in protein truncation or nonsense mediated decay in a gene for which loss-of-function is not a known mechanism of disease; Has not been previously published as pathogenic or benign to our knowledge

NM_001958.5(EEF1A2):c.588G>A (p.Trp196Ter)

Gene: EEF1A2 (eukaryotic translation elongation factor 1 alpha 2; minus strand). Cytogenetic location: 20q13.33.
Variant type: single nucleotide variant.
Coding change: c.588G>A on transcript NM_001958.5 (MANE Select); coding-DNA position 588, G replaced by A.
Protein change: p.Trp196Ter; replaces tryptophan 196 with a stop codon.
Molecular consequence: nonsense.
Genome position (GRCh38, 1-based): chr20:63,494,838, C>T on the plus strand (G>A on the coding strand, the complement: EEF1A2 is on the minus strand). VCF-style: chr20-63494838-C-T. GRCh37 (hg19) VCF-style: chr20-62126191-C-T.
Other names: short protein forms W196*.
Identifiers: ClinVar variation 1697019 (VCV001697019.2), dbSNP rs970078424, ClinGen allele CA317441596.
Genomic context (GRCh38, chr20:63,494,838, plus strand): 5'-GCCCGCCCCGCCCTAGCCGCCACTCACGTTGGGGGAGGGCTCCAGCATGTTGTCACCGTG[C>T]CAGCCGGAGATGGGCACAAAGGGCACGGTGGCCGGGTTGTAGCCGATCTTCTTGATGTAG-3'